The following is an entry in ClinVar:

NM_003265.3(TLR3):c.554C>T (p.Ala185Val)

Gene: TLR3 (toll like receptor 3; plus strand). Cytogenetic location: 4q35.1.
Variant type: single nucleotide variant.
Coding change: c.554C>T on transcript NM_003265.3 (MANE Select); coding-DNA position 554, C replaced by T.
Protein change: p.Ala185Val; replaces alanine 185 with valine.
Molecular consequence: missense variant.
Genome position (GRCh38, 1-based): chr4:186,078,952, C>T. VCF-style: chr4-186078952-C-T. GRCh37 (hg19) VCF-style: chr4-187000106-C-T.
Other names: short protein forms A185V.
Identifiers: ClinVar variation 570922 (VCV000570922.11), dbSNP rs35140061, ClinGen allele CA3161242.

ClinVar aggregate classification (germline): Uncertain significance. Review status: criteria provided, multiple submitters, no conflicts (2 of 4 stars). 2 submissions from 2 submitters: Uncertain significance (2). Last evaluated 2026-02-01.

Conditions:
Immunodeficiency 83, susceptibility to viral infections. Identifiers: Orphanet 1930, MedGen C2751803, MONDO:0800187, OMIM 613002.
Susceptibility to HIV infection. Also called: HUMAN IMMUNODEFICIENCY VIRUS TYPE 1, RESISTANCE TO; Human immunodeficiency virus type 1, susceptibility to; HIV-1, SUSCEPTIBILITY TO. Identifiers: MedGen C1836230, MONDO:0004951, OMIM 609423.
Encephalopathy, acute, infection-induced (herpes-specific), susceptibility to, 1. Also called: Herpes simplex encephalitis, susceptibility to, 1. Identifiers: Orphanet 1930, MedGen C2750180, MONDO:0024563, OMIM 610551.

Allele frequency attached by ClinVar (database versions not stated): gnomAD 0.00048; 1000 Genomes Project 30x 0.00109; ExAC 0.00014; ESP Exome Variant Server 0.00046; TOPMed 0.00056; 1000 Genomes Project 0.00120; gnomAD exomes 0.00014.

Submissions (2):

Labcorp Genetics (formerly Invitae), Labcorp
Classification: Uncertain significance for Encephalopathy, acute, infection-induced (herpes-specific), susceptibility to, 1. Last evaluated: 2026-02-01. Review status: criteria provided, single submitter. Criteria: Invitae Variant Classification Sherloc (09022015). Collection method: clinical testing. Allele origin: germline.
Comment: This sequence change replaces alanine, which is neutral and non-polar, with valine, which is neutral and non-polar, at codon 185 of the TLR3 protein (p.Ala185Val). This variant is present in population databases (rs35140061, gnomAD 0.2%), and has an allele count higher than expected for a pathogenic variant. This variant has not been reported in the literature in individuals affected with TLR3-related conditions. ClinVar contains an entry for this variant (Variation ID: 570922). An algorithm developed to predict the effect of missense changes on protein structure and function outputs the following: PolyPhen-2: "Benign". The valine amino acid residue is found in multiple mammalian species, which suggests that this missense change does not adversely affect protein function. In summary, the available evidence is currently insufficient to determine the role of this variant in disease. Therefore, it has been classified as a Variant of Uncertain Significance.

Center for Genomics, Ann and Robert H. Lurie Children's Hospital of Chicago
Classification: Uncertain significance for Susceptibility to HIV infection; Immunodeficiency 83, susceptibility to viral infections. Review status: criteria provided, single submitter. Criteria: ACMG Guidelines, 2015. Collection method: clinical testing. Allele origin: germline.
Comment: This variant has not been reported in the literature but is present in the Genome Aggregation Database (Highest reported MAF 0.1% (62/41402). This variant is present in ClinVar (Variation ID:570922). This variant amino acid Valine (Val) is present in several species including multiple mammals and is not well conserved among evolutionarily distant species; this suggests that this variant may not impact the protein. Additional computational prediction tools do not suggest an impact. In summary, data on this variant is insufficient for disease classification. Therefore, the clinical significance of this variant is uncertain.